The following is an entry in ClinVar:

ClinVar aggregate classification (germline): Uncertain significance (1 of 4 stars; one submission).

Conditions:
Marfan syndrome (MFS). Also called: MARFAN SYNDROME, TYPE I; Marfan syndrome type 1; Marfan's syndrome; Marfan syndrome, classic; FBN1-Related Marfan Syndrome. Identifiers: Orphanet 284963, Orphanet 558, MedGen C0024796, MONDO:0007947, OMIM 154700.
Familial thoracic aortic aneurysm and aortic dissection (TAAD). Also called: Thoracic aortic aneurysms and dissections. Identifiers: Orphanet 91387, MedGen C4707243, MONDO:0019625.

Submission:

Labcorp Genetics (formerly Invitae), Labcorp
Classification: Uncertain significance for Marfan syndrome; Familial thoracic aortic aneurysm and aortic dissection. Last evaluated: 2024-08-21. Review status: criteria provided, single submitter. Criteria: Invitae Variant Classification Sherloc (09022015). Collection method: clinical testing. Allele origin: germline.
Comment: This sequence change replaces glutamine, which is neutral and polar, with arginine, which is basic and polar, at codon 2553 of the FBN1 protein (p.Gln2553Arg). This variant is not present in population databases (gnomAD no frequency). This variant has not been reported in the literature in individuals affected with FBN1-related conditions. Invitae Evidence Modeling of protein sequence and biophysical properties (such as structural, functional, and spatial information, amino acid conservation, physicochemical variation, residue mobility, and thermodynamic stability) has been performed for this missense variant. However, the output from this modeling did not meet the statistical confidence thresholds required to predict the impact of this variant on FBN1 protein function. In summary, the available evidence is currently insufficient to determine the role of this variant in disease. Therefore, it has been classified as a Variant of Uncertain Significance.

NM_000138.5(FBN1):c.7658A>G (p.Gln2553Arg)

Gene: FBN1 (fibrillin 1; minus strand). Cytogenetic location: 15q21.1.
Variant type: single nucleotide variant.
Coding change: c.7658A>G on transcript NM_000138.5 (MANE Select); coding-DNA position 7658, A replaced by G.
Protein change: p.Gln2553Arg; replaces glutamine 2553 with arginine.
Molecular consequence: missense variant.
Genome position (GRCh38, 1-based): chr15:48,421,599, T>C on the plus strand (A>G on the coding strand, the complement: FBN1 is on the minus strand). VCF-style: chr15-48421599-T-C. GRCh37 (hg19) VCF-style: chr15-48713796-T-C.
Other names: c.7658A>G, p.Gln2553Arg (NM_001406716.1); short protein forms Q2553R.
Identifiers: ClinVar variation 3760859 (VCV003760859.2).